The following is an entry in ClinVar:

ClinVar aggregate classification (germline): Uncertain significance (1 of 4 stars; one submission).

Conditions:
Cardiomyopathy (CMYO). Also called: Cardiomyopathies. Identifiers: Orphanet 167848, MedGen C0878544, MONDO:0004994, HP:0001638. Inheritance: Various modes of inheritance.

Submission:

Color Diagnostics, LLC DBA Color Health
Classification: Uncertain significance for Cardiomyopathy. Last evaluated: 2024-03-06. Review status: criteria provided, single submitter. Criteria: ACMG Guidelines, 2015. Collection method: clinical testing. Allele origin: germline.
Comment: This missense variant replaces tyrosine with histidine at codon 1101 of the DSP protein. Computational prediction tool suggests that this variant may not impact protein structure and function (internally defined REVEL score threshold <=0.5, PMID: 27666373). Splice site prediction tools suggest that this variant may not impact RNA splicing. To our knowledge, functional studies have not been performed for this variant. This variant has not been reported in individuals affected with cardiovascular disorders in the literature. This variant has not been identified in the general population by the Genome Aggregation Database (gnomAD). The available evidence is insufficient to determine the role of this variant in disease conclusively. Therefore, this variant is classified as a Variant of Uncertain Significance.

NM_004415.4(DSP):c.3301T>C (p.Tyr1101His)

Gene: DSP (desmoplakin; plus strand). Cytogenetic location: 6p24.3.
Variant type: single nucleotide variant.
Coding change: c.3301T>C on transcript NM_004415.4 (MANE Select); coding-DNA position 3301, T replaced by C.
Protein change: p.Tyr1101His; replaces tyrosine 1101 with histidine.
Molecular consequence: missense variant.
Genome position (GRCh38, 1-based): chr6:7,579,491, T>C. VCF-style: chr6-7579491-T-C. GRCh37 (hg19) VCF-style: chr6-7579724-T-C.
Other names: c.3301T>C, p.Tyr1101His (NM_001008844.3, NM_001319034.2); short protein forms Y1101H.
Identifiers: ClinVar variation 920156 (VCV000920156.4), dbSNP rs1759347959, ClinGen allele CA362683593.